The following is an entry in ClinVar:

NM_000186.4(CFH):c.3436_3437delinsTT (p.Gly1146Phe)

Gene: CFH (complement factor H; plus strand). Cytogenetic location: 1q31.3.
Variant type: Indel.
Coding change: c.3436_3437delinsTT on transcript NM_000186.4 (MANE Select); coding-DNA positions 3436 to 3437, GG replaced by TT.
Protein change: p.Gly1146Phe; replaces glycine 1146 with phenylalanine.
Molecular consequence: missense variant.
Genome position (GRCh38, 1-based): chr1:196,745,942-196,745,943, GG replaced by TT. VCF-style: chr1-196745942-GG-TT. GRCh37 (hg19) VCF-style: chr1-196715072-GG-TT.
Other names: short protein forms G1146F.
Identifiers: ClinVar variation 3894566 (VCV003894566.1).

ClinVar aggregate classification (germline): Uncertain significance (1 of 4 stars; one submission).

Conditions:
Hemolytic uremic syndrome, atypical, susceptibility to, 1. Also called: AHUS, SUSCEPTIBILITY TO, 1. Identifiers: Orphanet 2134, Orphanet 90038, MedGen C2749604, MONDO:0009335, OMIM 235400. Disease mechanism: Other.

Submission:

MVZ Medizinische Genetik Mainz
Classification: Uncertain significance for Hemolytic uremic syndrome, atypical, susceptibility to, 1. Last evaluated: 2025-03-19. Review status: criteria provided, single submitter. Criteria: UK Practice Guidelines For Variant Classification V4 01 2020. Collection method: clinical testing. Allele origin: germline. Inheritance: Autosomal dominant inheritance. Affected: yes. Observed: 1 variant allele.
Comment: ACMG Criteria: PM1,PM2_SUP,PP4